The following is an entry in ClinVar:

NM_013247.5(HTRA2):c.1067G>A (p.Gly356Glu)

Gene: HTRA2 (HtrA serine peptidase 2; plus strand). Cytogenetic location: 2p13.1.
Variant type: single nucleotide variant.
Coding change: c.1067G>A on transcript NM_013247.5 (MANE Select); coding-DNA position 1067, G replaced by A.
Protein change: p.Gly356Glu; replaces glycine 356 with glutamic acid.
Molecular consequence: missense variant. On other transcripts: non-coding transcript variant (4).
Genome position (GRCh38, 1-based): chr2:74,531,877, G>A. VCF-style: chr2-74531877-G-A. GRCh37 (hg19) VCF-style: chr2-74759004-G-A.
Other names: c.1097G>A, p.Gly366Glu (NM_001321727.1); c.1067G>A, p.Gly356Glu (NM_001321728.1); c.872G>A, p.Gly291Glu (NM_145074.2); short protein forms G356E, G366E, G291E.
Identifiers: ClinVar variation 2072873 (VCV002072873.4), dbSNP rs368172016, ClinGen allele CA1728555.

ClinVar aggregate classification (germline): Uncertain significance (1 of 4 stars; one submission).

Allele frequency attached by ClinVar (database versions not stated): TOPMed below 0.00001; ExAC 0.00001; gnomAD 0.00001; ESP Exome Variant Server 0.00008.

Submission:

Labcorp Genetics (formerly Invitae), Labcorp
Classification: Uncertain significance. Last evaluated: 2022-10-17. Review status: criteria provided, single submitter. Criteria: Invitae Variant Classification Sherloc (09022015). Collection method: clinical testing. Allele origin: germline.
Comment: Advanced modeling of protein sequence and biophysical properties (such as structural, functional, and spatial information, amino acid conservation, physicochemical variation, residue mobility, and thermodynamic stability) performed at Invitae indicates that this missense variant is not expected to disrupt HTRA2 protein function. In summary, the available evidence is currently insufficient to determine the role of this variant in disease. Therefore, it has been classified as a Variant of Uncertain Significance. This variant has not been reported in the literature in individuals affected with HTRA2-related conditions. This variant is present in population databases (rs368172016, gnomAD 0.003%). This sequence change replaces glycine, which is neutral and non-polar, with glutamic acid, which is acidic and polar, at codon 356 of the HTRA2 protein (p.Gly356Glu).